The following is an entry in ClinVar:

ClinVar aggregate classification (germline): Uncertain significance (1 of 4 stars; one submission).

Submission:

GeneDx
Classification: Uncertain significance. Last evaluated: 2025-06-05. Review status: criteria provided, single submitter. Criteria: GeneDx Variant Classification Process June 2021. Collection method: clinical testing. Allele origin: germline. Affected: yes.
Comment: Not observed at significant frequency in large population cohorts (gnomAD); In silico analysis supports that this missense variant has a deleterious effect on protein structure/function; Has not been previously published as pathogenic or benign to our knowledge

NM_001130438.3(SPTAN1):c.1858G>C (p.Glu620Gln)

Gene: SPTAN1 (spectrin alpha, non-erythrocytic 1; plus strand). Cytogenetic location: 9q34.11.
Variant type: single nucleotide variant.
Coding change: c.1858G>C on transcript NM_001130438.3 (MANE Select); coding-DNA position 1858, G replaced by C.
Protein change: p.Glu620Gln; replaces glutamic acid 620 with glutamine.
Molecular consequence: missense variant.
Genome position (GRCh38, 1-based): chr9:128,583,128, G>C. VCF-style: chr9-128583128-G-C. GRCh37 (hg19) VCF-style: chr9-131345407-G-C.
Other names: c.1858G>C, p.Glu620Gln (NM_001195532.2, NM_001363759.2, NM_001363765.2 and 10 more transcripts); c.1894G>C, p.Glu632Gln (NM_001375312.2, NM_001375318.1, NM_001438440.1); short protein forms E620Q, E632Q.
Identifiers: ClinVar variation 4536158 (VCV004536158.1).